The following is an entry in ClinVar:

ClinVar aggregate classification (germline): Pathogenic (1 of 4 stars; one submission).

Conditions:
Pitt-Hopkins-like syndrome 2 (PTHSL2). Identifiers: Orphanet 221150, Orphanet 600663, MedGen C3280479, MONDO:0013690, OMIM 614325.

Submission:

Labcorp Genetics (formerly Invitae), Labcorp
Classification: Pathogenic for Pitt-Hopkins-like syndrome 2. Last evaluated: 2022-09-04. Review status: criteria provided, single submitter. Criteria: Invitae Variant Classification Sherloc (09022015). Collection method: clinical testing. Allele origin: germline.
Comment: For these reasons, this variant has been classified as Pathogenic. This variant has not been reported in the literature in individuals affected with NRXN1-related conditions. This variant is a gross deletion of the genomic region encompassing exon(s) 2-4 of the NRXN1 gene, which includes the initiator codon. This deletion extends beyond the assayed region for this gene and therefore may encompass additional genes. It is expected to result in an absent or disrupted protein product. Loss-of-function variants in NRXN1 are known to be pathogenic (PMID: 19896112, 21964664, 23495017, 23533028, 25149956, 30031152).

Literature cited by the submitters: PubMed 19896112; PubMed 21964664; PubMed 23495017; PubMed 23533028; PubMed 25149956; PubMed 30031152.

NC_000002.11:g.(?_51153056)_(51255411_?)del

Gene: NRXN1 (neurexin 1; minus strand). Cytogenetic location: 2p16.3.
Variant type: Deletion.
Identifiers: ClinVar variation 2423807 (VCV002423807.4).